The following is an entry in ClinVar:

ClinVar aggregate classification (germline): Uncertain significance. Review status: criteria provided, multiple submitters, no conflicts (2 of 4 stars). 2 submissions from 2 submitters: Uncertain significance (2). Last evaluated 2025-04-08.

Conditions:
Cardiovascular phenotype. Identifiers: MedGen CN230736.

Allele frequency attached by ClinVar (database versions not stated): gnomAD 0.00001; TOPMed 0.00001.
gnomAD v4.1: 2 of 1,614,046 alleles (0.00012%); highest among the groups gnomAD compares: African/African-American, 0.0027%; no homozygotes.

Submissions (2):

GeneDx
Classification: Uncertain significance. Last evaluated: 2025-04-08. Review status: criteria provided, single submitter. Criteria: GeneDx Variant Classification Process June 2021. Collection method: clinical testing. Allele origin: germline. Affected: yes.
Comment: Not observed at significant frequency in large population cohorts (gnomAD); In silico analysis indicates that this missense variant does not alter protein structure/function; Has not been previously published as pathogenic or benign to our knowledge

Ambry Genetics
Classification: Uncertain significance for Cardiovascular phenotype. Last evaluated: 2023-05-19. Review status: criteria provided, single submitter. Criteria: Ambry Variant Classification Scheme 2023. Collection method: clinical testing. Allele origin: germline.
Comment: The p.G616V variant (also known as c.1847G>T), located in coding exon 9 of the MYPN gene, results from a G to T substitution at nucleotide position 1847. The glycine at codon 616 is replaced by valine, an amino acid with dissimilar properties. This amino acid position is well conserved in available vertebrate species. In addition, this alteration is predicted to be tolerated by in silico analysis. Since supporting evidence is limited at this time, the clinical significance of this alteration remains unclear.

NM_032578.4(MYPN):c.1847G>T (p.Gly616Val)

Gene: MYPN (myopalladin; plus strand). Cytogenetic location: 10q21.3.
Variant type: single nucleotide variant.
Coding change: c.1847G>T on transcript NM_032578.4 (MANE Select); coding-DNA position 1847, G replaced by T.
Protein change: p.Gly616Val; replaces glycine 616 with valine.
Molecular consequence: missense variant. On other transcripts: non-coding transcript variant (2).
Genome position (GRCh38, 1-based): chr10:68,166,540, G>T. VCF-style: chr10-68166540-G-T. GRCh37 (hg19) VCF-style: chr10-69926297-G-T.
Other names: c.1847G>T, p.Gly616Val (NM_001256267.2); c.965G>T, p.Gly322Val (NM_001256268.2); short protein forms G616V, G322V.
Identifiers: ClinVar variation 2563976 (VCV002563976.3), dbSNP rs981858278, ClinGen allele CA208192861.
Genomic context (GRCh38, chr10:68,166,540, plus strand): 5'-TTCGTGTGCACTTCAACCTGCCTGAAGATGACAAAGGAAGTGAAGCATCCTCCGAGGCTG[G>T]TGTGGTGACCACCAGACAGACCAGGCCCGATTCTTTCCAGGAGAGGTTCAACGGACAGGC-3'
Protein context (NP_115967.2, residues 606-626): DKGSEASSEA[Gly616Val]VVTTRQTRPD